The following is an entry in ClinVar:

ClinVar aggregate classification (germline): Uncertain significance (1 of 4 stars; one submission).

Allele frequency attached by ClinVar (database versions not stated): gnomAD exomes below 0.00001; TOPMed below 0.00001; gnomAD 0.00001.
gnomAD v4.1: 2 of 1,613,548 alleles (0.00012%); highest among the groups gnomAD compares: Non-Finnish European, 0.00017%; no homozygotes.

Submission:

Labcorp Genetics (formerly Invitae), Labcorp
Classification: Uncertain significance. Last evaluated: 2024-01-29. Review status: criteria provided, single submitter. Criteria: Invitae Variant Classification Sherloc (09022015). Collection method: clinical testing. Allele origin: germline.
Comment: This sequence change replaces alanine, which is neutral and non-polar, with serine, which is neutral and polar, at codon 764 of the MTTP protein (p.Ala764Ser). This variant is not present in population databases (gnomAD no frequency). This variant has not been reported in the literature in individuals affected with MTTP-related conditions. ClinVar contains an entry for this variant (Variation ID: 1938176). Advanced modeling of protein sequence and biophysical properties (such as structural, functional, and spatial information, amino acid conservation, physicochemical variation, residue mobility, and thermodynamic stability) performed at Invitae indicates that this missense variant is not expected to disrupt MTTP protein function with a negative predictive value of 80%. In summary, the available evidence is currently insufficient to determine the role of this variant in disease. Therefore, it has been classified as a Variant of Uncertain Significance.

NM_001386140.1(MTTP):c.2290G>T (p.Ala764Ser)

Gene: MTTP (microsomal triglyceride transfer protein; plus strand). Cytogenetic location: 4q23.
Variant type: single nucleotide variant.
Coding change: c.2290G>T on transcript NM_001386140.1 (MANE Select); coding-DNA position 2290, G replaced by T.
Protein change: p.Ala764Ser; replaces alanine 764 with serine.
Molecular consequence: missense variant.
Genome position (GRCh38, 1-based): chr4:99,619,046, G>T. VCF-style: chr4-99619046-G-T. GRCh37 (hg19) VCF-style: chr4-100540203-G-T.
Other names: c.2290G>T, p.Ala764Ser (NM_000253.4); c.2041G>T, p.Ala681Ser (NM_001300785.2); short protein forms A681S, A764S.
Identifiers: ClinVar variation 1938176 (VCV001938176.4), dbSNP rs1305808753, ClinGen allele CA357518359.